The following is an entry in ClinVar:

ClinVar aggregate classification (germline): Uncertain significance (1 of 4 stars; one submission).

Allele frequency attached by ClinVar (database versions not stated): gnomAD 0.00001; ExAC 0.00002; TOPMed 0.00002.
gnomAD v4.1: 15 of 1,614,020 alleles (0.00093%); highest among the groups gnomAD compares: Non-Finnish European, 0.00042%; no homozygotes.

Submission:

Labcorp Genetics (formerly Invitae), Labcorp
Classification: Uncertain significance. Last evaluated: 2025-06-10. Review status: criteria provided, single submitter. Criteria: Invitae Variant Classification Sherloc (09022015). Collection method: clinical testing. Allele origin: germline.
Comment: This sequence change replaces leucine, which is neutral and non-polar, with isoleucine, which is neutral and non-polar, at codon 2714 of the KMT2A protein (p.Leu2714Ile). This variant is present in population databases (rs782505839, gnomAD 0.03%). This variant has not been reported in the literature in individuals affected with KMT2A-related conditions. ClinVar contains an entry for this variant (Variation ID: 2190327). Invitae Evidence Modeling of protein sequence and biophysical properties (such as structural, functional, and spatial information, amino acid conservation, physicochemical variation, residue mobility, and thermodynamic stability) indicates that this missense variant is not expected to disrupt KMT2A protein function with a negative predictive value of 95%. In summary, the available evidence is currently insufficient to determine the role of this variant in disease. Therefore, it has been classified as a Variant of Uncertain Significance.

NM_001197104.2(KMT2A):c.8140C>A (p.Leu2714Ile)

Gene: KMT2A (lysine methyltransferase 2A; plus strand). Cytogenetic location: 11q23.3.
Variant type: single nucleotide variant.
Coding change: c.8140C>A on transcript NM_001197104.2 (MANE Select); coding-DNA position 8140, C replaced by A.
Protein change: p.Leu2714Ile; replaces leucine 2714 with isoleucine.
Molecular consequence: missense variant.
Genome position (GRCh38, 1-based): chr11:118,504,032, C>A. VCF-style: chr11-118504032-C-A. GRCh37 (hg19) VCF-style: chr11-118374747-C-A.
Other names: c.8230C>A, p.Leu2744Ile (NM_001412597.1); c.8131C>A, p.Leu2711Ile (NM_005933.4); short protein forms L2711I, L2714I, L2744I.
Identifiers: ClinVar variation 2190327 (VCV002190327.4), dbSNP rs782505839, ClinGen allele CA6304457.